The following is an entry in ClinVar:

ClinVar aggregate classification (germline): Uncertain significance (1 of 4 stars; one submission).

Submission:

Athena Diagnostics
Classification: Uncertain significance. Last evaluated: 2022-10-19. Review status: criteria provided, single submitter. Criteria: Athena Diagnostics Criteria. Collection method: clinical testing. Allele origin: unknown.
Comment: Available data are insufficient to determine the clinical significance of the variant at this time. This variant has not been reported in large, multi-ethnic general populations. Computational tools predict that this variant is not damaging.

NM_014363.6(SACS):c.2428G>C (p.Glu810Gln)

Gene: SACS (sacsin molecular chaperone; minus strand). Cytogenetic location: 13q12.12.
Variant type: single nucleotide variant.
Coding change: c.2428G>C on transcript NM_014363.6 (MANE Select); coding-DNA position 2428, G replaced by C.
Protein change: p.Glu810Gln; replaces glutamic acid 810 with glutamine.
Molecular consequence: missense variant.
Genome position (GRCh38, 1-based): chr13:23,341,448, C>G on the plus strand (G>C on the coding strand, the complement: SACS is on the minus strand). VCF-style: chr13-23341448-C-G. GRCh37 (hg19) VCF-style: chr13-23915587-C-G.
Other names: c.1987G>C, p.Glu663Gln (NM_001278055.2); short protein forms E663Q, E810Q.
Identifiers: ClinVar variation 2684325 (VCV002684325.1), dbSNP rs2542313662, ClinGen allele CA387539055.